The following is an entry in ClinVar:

NM_021008.4(DEAF1):c.115_123dup (p.Val41_Leu42insGluProVal)

Gene: DEAF1 (DEAF1 transcription factor; minus strand). Cytogenetic location: 11p15.5.
Variant type: Duplication.
Coding change: c.115_123dup on transcript NM_021008.4 (MANE Select); coding-DNA positions 115 to 123, 9 bases duplicated (GAGCCGGTG; older notation c.115_123dupGAGCCGGTG).
Protein change: p.Val41_Leu42insGluProVal.
Molecular consequence: inframe insertion. On other transcripts: inframe indel (1), intron variant (1).
Genome position (GRCh38, 1-based): chr11:694,925-694,933, CACCGGCTC duplicated on the plus strand (GAGCCGGTG on the coding strand, the reverse complement: DEAF1 is on the minus strand); duplicating any 9 consecutive bases within chr11:694,925-694,934 gives the same sequence; the c. name uses the placement nearest the transcript's 3' end. VCF-style (leftmost placement, unchanged base first): chr11-694924-G-GCACCGGCTC. GRCh37 (hg19) VCF-style: chr11-694924-G-GCACCGGCTC.
Other names: c.114_122dup, p.Val41_Leu42insGluProVal (NM_001293634.2); c.-437-3335_-437-3327dup (NM_001367390.1).
Identifiers: ClinVar variation 1418972 (VCV001418972.5), dbSNP rs762413862, ClinGen allele CA5786646.

ClinVar aggregate classification (germline): Uncertain significance (1 of 4 stars; one submission).

Submission:

Labcorp Genetics (formerly Invitae), Labcorp
Classification: Uncertain significance. Last evaluated: 2025-10-01. Review status: criteria provided, single submitter. Criteria: Invitae Variant Classification Sherloc (09022015). Collection method: clinical testing. Allele origin: germline.
Comment: This variant, c.115_123dup, results in the insertion of 3 amino acid(s) of the DEAF1 protein (p.Glu39_Val41dup), but otherwise preserves the integrity of the reading frame. This variant is present in population databases (rs762413862, gnomAD 0.005%). This variant has not been reported in the literature in individuals affected with DEAF1-related conditions. ClinVar contains an entry for this variant (Variation ID: 1418972). Experimental studies and prediction algorithms are not available or were not evaluated, and the functional significance of this variant is currently unknown. In summary, the available evidence is currently insufficient to determine the role of this variant in disease. Therefore, it has been classified as a Variant of Uncertain Significance.